The following is an entry in ClinVar:

ClinVar aggregate classification (germline): Pathogenic/Likely pathogenic. Review status: criteria provided, multiple submitters, no conflicts (2 of 4 stars). 6 submissions from 6 submitters: Pathogenic (5); Likely pathogenic (1). Last evaluated 2026-01-28.

Conditions:
PDE6B-related disorder. Also called: PDE6B-related disorders; PDE6B-related disease; PDE6B-related condition.
Autosomal recessive retinitis pigmentosa. Identifiers: MedGen C0339526.
Congenital Stationary Night Blindness, Dominant.
Retinitis pigmentosa 40 (RP40). Identifiers: Orphanet 791, MedGen C3151107, MONDO:0013429, OMIM 613801.

Allele frequency attached by ClinVar (database versions not stated): gnomAD exomes 0.00001 and 0.00002; ExAC 0.00002; ESP Exome Variant Server 0.00008; gnomAD 0.00010 and 0.00011; TOPMed 0.00026.

Submissions (6):

PreventionGenetics, part of Exact Sciences
Classification: Pathogenic for PDE6B-related condition. Last evaluated: 2026-01-28. Review status: criteria provided, single submitter. Criteria: ACMG Guidelines, 2015. Collection method: clinical testing. Allele origin: germline.
Comment: The PDE6B c.1540delC variant is predicted to result in a frameshift and premature protein termination (p.Leu514Trpfs*61). This variant has been reported in the homozygous state in individuals with retinitis pigmentosa (Ge et al. 2015. PubMed ID: 26667666; reported as c.703del using alternate transcript in Zhang et al. 2016. PubMed ID: 27596865). This variant is present in 0.0058% of alleles in individuals of Latino descent in gnomAD. Frameshift variants in PDE6B are an established mechanism of disease. This variant is interpreted as pathogenic.

Labcorp Genetics (formerly Invitae), Labcorp
Classification: Pathogenic. Last evaluated: 2026-01-22. Review status: criteria provided, single submitter. Criteria: Invitae Variant Classification Sherloc (09022015). Collection method: clinical testing. Allele origin: germline.
Comment: This sequence change creates a premature translational stop signal (p.Leu514Trpfs*61) in the PDE6B gene. It is expected to result in an absent or disrupted protein product. Loss-of-function variants in PDE6B are known to be pathogenic (PMID: 8394174, 8595886, 22334370). This variant is present in population databases (rs398123298, gnomAD 0.003%). This premature translational stop signal has been observed in individual(s) with autosomal recessive retinitis pigmentosa (PMID: 26667666, 27596865). ClinVar contains an entry for this variant (Variation ID: 92766). For these reasons, this variant has been classified as Pathogenic.

GeneDx
Classification: Pathogenic. Last evaluated: 2021-08-19. Review status: criteria provided, single submitter. Criteria: GeneDx Variant Classification Process June 2021. Collection method: clinical testing. Allele origin: germline. Affected: yes.
Comment: Frameshift variant predicted to result in protein truncation or nonsense mediated decay in a gene for which loss-of-function is a known mechanism of disease; This variant is associated with the following publications: (PMID: 26667666, 27596865)

Blueprint Genetics
Classification: Pathogenic for PDE6B-related disorders. Last evaluated: 2021-04-14. Review status: criteria provided, single submitter. Criteria: ACMG Guidelines, 2015. Collection method: clinical testing. Allele origin: germline. Affected: yes. Observed: 5 variant alleles.

Ocular Genomics Institute, Massachusetts Eye and Ear
Classification: Likely pathogenic for Retinitis pigmentosa 40. Last evaluated: 2021-04-08. Review status: criteria provided, single submitter. Criteria: ACMG Guidelines, 2015. Collection method: research. Allele origin: germline. Affected: yes.
Comment: Through a review of available evidence we were able to apply the following criteria: PVS1, PM2. Based on this evidence we have classified this variant as Likely Pathogenic.

Eurofins Ntd Llc (ga)
Classification: Pathogenic. Last evaluated: 2013-10-08. Review status: criteria provided, single submitter. Criteria: EGL Classification Definitions. Collection method: clinical testing. Allele origin: germline. Observed: 1 variant allele, 1 homozygote.

Literature cited by the submitters: PubMed 8394174 (cited by Labcorp Genetics (formerly Invitae), Labcorp); PubMed 8595886 (cited by Labcorp Genetics (formerly Invitae), Labcorp); PubMed 22334370 (cited by Labcorp Genetics (formerly Invitae), Labcorp); PubMed 26667666 (cited by Labcorp Genetics (formerly Invitae), Labcorp and Ocular Genomics Institute, Massachusetts Eye and Ear); PubMed 27596865 (cited by Labcorp Genetics (formerly Invitae), Labcorp and Ocular Genomics Institute, Massachusetts Eye and Ear).

NM_000283.4(PDE6B):c.1540del (p.Leu514fs)

Gene: PDE6B (phosphodiesterase 6B; plus strand). Cytogenetic location: 4p16.3.
Variant type: Deletion.
Coding change: c.1540del on transcript NM_000283.4 (MANE Select); coding-DNA position 1540, one base deleted (C; older notation c.1540delC).
Protein change: p.Leu514fs; shifts the reading frame from leucine 514.
Molecular consequence: frameshift variant.
Genome position (GRCh38, 1-based): chr4:660,539, C deleted. VCF-style (leftmost placement, unchanged base first): chr4-660538-AC-A. GRCh37 (hg19) VCF-style: chr4-654327-AC-A.
Other names: c.1540delC (NM_000283.3); c.1540del, p.Leu514fs (NM_001145291.2); c.703del, p.Leu235fs (NM_001145292.2, NM_001350154.3, NM_001379246.1 and 1 more transcripts); c.385del, p.Leu129fs (NM_001350155.3); short protein forms L129fs, L514fs, L235fs.
Identifiers: ClinVar variation 92766 (VCV000092766.20), dbSNP rs398123298, ClinGen allele CA220604.